The following is an entry in ClinVar:

NM_016356.5(DCDC2):c.970dup (p.Ala324fs)

Gene: DCDC2 (doublecortin domain containing 2; minus strand). Cytogenetic location: 6p22.3.
Variant type: Duplication.
Coding change: c.970dup on transcript NM_016356.5 (MANE Select); coding-DNA position 970, one base duplicated (G; older notation c.970dupG).
Protein change: p.Ala324fs; shifts the reading frame from alanine 324.
Molecular consequence: frameshift variant.
Genome position (GRCh38, 1-based): chr6:24,205,055, C duplicated on the plus strand (G on the coding strand, the reverse complement: DCDC2 is on the minus strand); the first of 6 consecutive C bases (chr6:24,205,055-24,205,060); duplicating any one gives the same sequence. VCF-style (leftmost placement, unchanged base first): chr6-24205054-G-GC. GRCh37 (hg19) VCF-style: chr6-24205282-G-GC.
Other names: c.970dupG (NM_016356.4); c.970dup, p.Ala324fs (NM_001195610.2); short protein forms A324fs.
Identifiers: ClinVar variation 595088 (VCV000595088.13), dbSNP rs774115675, ClinGen allele CA3654545.

ClinVar aggregate classification (germline): Pathogenic/Likely pathogenic. Review status: criteria provided, multiple submitters, no conflicts (2 of 4 stars). 4 submissions from 4 submitters: Pathogenic (2); Likely pathogenic (2). Last evaluated 2023-09-20.

Conditions:
Autosomal recessive nonsyndromic hearing loss 66 (DFNB66). Also called: Deafness, autosomal recessive 66. Identifiers: Orphanet 90636, MedGen C1857750, MONDO:0012442, OMIM 610212.
Isolated neonatal sclerosing cholangitis (NSC). Also called: Sclerosing cholangitis, neonatal. Identifiers: Orphanet 480556, MedGen C4479344, MONDO:0018816, OMIM 617394.
Nephronophthisis 19 (NPHP19). Identifiers: Orphanet 84081, MedGen C4015542, MONDO:0014537, OMIM 616217.
DCDC2-related disorder. Also called: DCDC2-related condition.

Submissions (4):

PreventionGenetics, part of Exact Sciences
Classification: Likely pathogenic for DCDC2-related condition. Last evaluated: 2023-09-20. Review status: criteria provided, single submitter. Criteria: ACMG Guidelines, 2015. Collection method: clinical testing. Allele origin: germline.
Comment: The DCDC2 c.970dupG variant is predicted to result in a frameshift and premature protein termination (p.Ala324Glyfs*8). To our knowledge, this variant has not been reported in the literature. This variant is reported in 0.0035% of alleles in individuals of European (Non-Finnish) descent in gnomAD. Frameshift variants in DCDC2 are expected to be pathogenic. This variant is interpreted as likely pathogenic.

Labcorp Genetics (formerly Invitae), Labcorp
Classification: Pathogenic for Autosomal recessive nonsyndromic hearing loss 66; Isolated neonatal sclerosing cholangitis. Last evaluated: 2023-03-20. Review status: criteria provided, single submitter. Criteria: Invitae Variant Classification Sherloc (09022015). Collection method: clinical testing. Allele origin: germline.
Comment: For these reasons, this variant has been classified as Pathogenic. ClinVar contains an entry for this variant (Variation ID: 595088). This variant has not been reported in the literature in individuals affected with DCDC2-related conditions. This variant is present in population databases (rs774115675, gnomAD 0.005%). This sequence change creates a premature translational stop signal (p.Ala324Glyfs*8) in the DCDC2 gene. It is expected to result in an absent or disrupted protein product. Loss-of-function variants in DCDC2 are known to be pathogenic (PMID: 27319779, 27469900).

Fulgent Genetics
Classification: Likely pathogenic for Autosomal recessive nonsyndromic hearing loss 66; Nephronophthisis 19; Isolated neonatal sclerosing cholangitis. Last evaluated: 2021-10-28. Review status: criteria provided, single submitter. Criteria: ACMG Guidelines, 2015. Collection method: clinical testing. Allele origin: unknown.

Eurofins Ntd Llc (ga)
Classification: Pathogenic. Last evaluated: 2018-05-08. Review status: criteria provided, single submitter. Criteria: EGL ClinVar v180209 classification definitions. Collection method: clinical testing. Allele origin: germline. Observed: 1 variant allele, 1 homozygote.

Literature cited by the submitters: PubMed 27319779 (cited by Labcorp Genetics (formerly Invitae), Labcorp); PubMed 27469900 (cited by Labcorp Genetics (formerly Invitae), Labcorp).